The following is an entry in ClinVar:

NM_000532.5(PCCB):c.821T>A (p.Phe274Tyr)

Gene: PCCB (propionyl-CoA carboxylase subunit beta; plus strand). Cytogenetic location: 3q22.3.
Variant type: single nucleotide variant.
Coding change: c.821T>A on transcript NM_000532.5 (MANE Select); coding-DNA position 821, T replaced by A.
Protein change: p.Phe274Tyr; replaces phenylalanine 274 with tyrosine.
Molecular consequence: missense variant.
Genome position (GRCh38, 1-based): chr3:136,298,009, T>A. VCF-style: chr3-136298009-T-A. GRCh37 (hg19) VCF-style: chr3-136016851-T-A.
Other names: c.821T>A (NM_000532.4); c.881T>A, p.Phe294Tyr (NM_001178014.2); short protein forms F274Y, F294Y.
Identifiers: ClinVar variation 2144397 (VCV002144397.2), dbSNP rs750931122, ClinGen allele CA2631883.

ClinVar aggregate classification (germline): Uncertain significance. Review status: criteria provided, multiple submitters, no conflicts (2 of 4 stars). 2 submissions from 2 submitters: Uncertain significance (2). Last evaluated 2025-03-21.

Conditions:
Inborn genetic diseases. Identifiers: MedGen C0950123, MeSH D030342.
Propionic acidemia (PROP). Also called: GLYCINEMIA, KETOTIC; HYPERGLYCINEMIA WITH KETOACIDOSIS AND LEUKOPENIA; KETOTIC HYPERGLYCINEMIA. Identifiers: Orphanet 35, MedGen C0268579, MONDO:0011628, OMIM 606054, HP:0003571.

Allele frequency attached by ClinVar (database versions not stated): ExAC 0.00008.
gnomAD v4.1: 46 of 1,614,140 alleles (0.0028%); highest among the groups gnomAD compares: South Asian, 0.048%; 1 homozygote.

Submissions (2):

Ambry Genetics
Classification: Uncertain significance for Inborn genetic diseases. Last evaluated: 2025-03-21. Review status: criteria provided, single submitter. Criteria: Ambry Variant Classification Scheme 2023. Collection method: clinical testing. Allele origin: germline.

Labcorp Genetics (formerly Invitae), Labcorp
Classification: Uncertain significance for Propionic acidemia. Last evaluated: 2022-07-14. Review status: criteria provided, single submitter. Criteria: Invitae Variant Classification Sherloc (09022015). Collection method: clinical testing. Allele origin: germline.
Comment: This sequence change replaces phenylalanine, which is neutral and non-polar, with tyrosine, which is neutral and polar, at codon 274 of the PCCB protein (p.Phe274Tyr). This variant is present in population databases (rs750931122, gnomAD 0.06%). This variant has not been reported in the literature in individuals affected with PCCB-related conditions. Algorithms developed to predict the effect of missense changes on protein structure and function are either unavailable or do not agree on the potential impact of this missense change (SIFT: "Tolerated"; PolyPhen-2: "Possibly Damaging"; Align-GVGD: "Class C0"). In summary, the available evidence is currently insufficient to determine the role of this variant in disease. Therefore, it has been classified as a Variant of Uncertain Significance.